The following is an entry in ClinVar:

NM_000528.4(MAN2B1):c.2992C>T (p.Arg998Cys)

Gene: MAN2B1 (mannosidase alpha class 2B member 1; minus strand). Cytogenetic location: 19p13.13.
Variant type: single nucleotide variant.
Coding change: c.2992C>T on transcript NM_000528.4 (MANE Select); coding-DNA position 2992, C replaced by T.
Protein change: p.Arg998Cys; replaces arginine 998 with cysteine.
Molecular consequence: missense variant.
Genome position (GRCh38, 1-based): chr19:12,646,664, G>A on the plus strand (C>T on the coding strand, the complement: MAN2B1 is on the minus strand). VCF-style: chr19-12646664-G-A. GRCh37 (hg19) VCF-style: chr19-12757478-G-A.
Other names: c.2989C>T, p.Arg997Cys (NM_001173498.2); short protein forms R997C, R998C.
Identifiers: ClinVar variation 2146799 (VCV002146799.2), dbSNP rs758755293, ClinGen allele CA9225841.

ClinVar aggregate classification (germline): Conflicting classifications of pathogenicity. Review status: criteria provided, conflicting classifications (1 of 4 stars). 2 submissions from 2 submitters: Likely pathogenic (1); Uncertain significance (1). Last evaluated 2024-05-29.

Conditions:
Deficiency of alpha-mannosidase (MANSA). Also called: LYSOSOMAL ALPHA-D-MANNOSIDASE DEFICIENCY; Alpha-Mannosidosis; Mannosidosis, alpha-, types I and II. Identifiers: Orphanet 61, MedGen C0024748, MONDO:0009561, OMIM 248500.

Allele frequency attached by ClinVar (database versions not stated): ExAC 0.00003; gnomAD 0.00003; TOPMed 0.00003.
gnomAD v4.1: 40 of 1,613,952 alleles (0.0025%); highest among the groups gnomAD compares: Middle Eastern, 0.016%; no homozygotes.

Submissions (2):

Laboratory of Prof. Karen Avraham, Tel Aviv University
Classification: Likely pathogenic for Deficiency of alpha-mannosidase. Last evaluated: 2024-05-29. Review status: criteria provided, single submitter. Criteria: ACMG Guidelines, 2015. Collection method: research. Allele origin: germline. Affected: yes. Observed: 1 variant allele.
Comment: Homozygosity of a rare variant that is predicted to cause damage by most prediction programs

Autosomal recessive; unilateral moderate-severe HL

Labcorp Genetics (formerly Invitae), Labcorp
Classification: Uncertain significance for Deficiency of alpha-mannosidase. Last evaluated: 2022-08-16. Review status: criteria provided, single submitter. Criteria: Invitae Variant Classification Sherloc (09022015). Collection method: clinical testing. Allele origin: germline.
Comment: This sequence change replaces arginine, which is basic and polar, with cysteine, which is neutral and slightly polar, at codon 998 of the MAN2B1 protein (p.Arg998Cys). This variant is present in population databases (rs758755293, gnomAD 0.009%). This variant has not been reported in the literature in individuals affected with MAN2B1-related conditions. Algorithms developed to predict the effect of missense changes on protein structure and function are either unavailable or do not agree on the potential impact of this missense change (SIFT: "Deleterious"; PolyPhen-2: "Probably Damaging"; Align-GVGD: "Class C0"). In summary, the available evidence is currently insufficient to determine the role of this variant in disease. Therefore, it has been classified as a Variant of Uncertain Significance.